The following is an entry in ClinVar:

ClinVar aggregate classification (germline): Uncertain significance. Review status: criteria provided, multiple submitters, no conflicts (2 of 4 stars). 3 submissions from 3 submitters: Uncertain significance (3). Last evaluated 2024-08-07.

Conditions:
Inborn genetic diseases. Identifiers: MedGen C0950123, MeSH D030342.

Allele frequency attached by ClinVar (database versions not stated): gnomAD 0.00010; ExAC 0.00011.
gnomAD v4.1: 136 of 1,614,104 alleles (0.0084%); highest among the groups gnomAD compares: Non-Finnish European, 0.0033%; no homozygotes.

Submissions (3):

Blueprint Genetics
Classification: Uncertain significance. Last evaluated: 2024-08-07. Review status: criteria provided, single submitter. Criteria: ACMG Guidelines, 2015. Collection method: clinical testing. Allele origin: germline.

Labcorp Genetics (formerly Invitae), Labcorp
Classification: Uncertain significance. Last evaluated: 2024-05-02. Review status: criteria provided, single submitter. Criteria: Invitae Variant Classification Sherloc (09022015). Collection method: clinical testing. Allele origin: germline.
Comment: This sequence change replaces valine, which is neutral and non-polar, with methionine, which is neutral and non-polar, at codon 69 of the FOXRED1 protein (p.Val69Met). This variant is present in population databases (rs200432010, gnomAD 0.07%). This variant has not been reported in the literature in individuals affected with FOXRED1-related conditions. ClinVar contains an entry for this variant (Variation ID: 1417961). Advanced modeling of protein sequence and biophysical properties (such as structural, functional, and spatial information, amino acid conservation, physicochemical variation, residue mobility, and thermodynamic stability) has been performed at Invitae for this missense variant, however the output from this modeling did not meet the statistical confidence thresholds required to predict the impact of this variant on FOXRED1 protein function. In summary, the available evidence is currently insufficient to determine the role of this variant in disease. Therefore, it has been classified as a Variant of Uncertain Significance.

Ambry Genetics
Classification: Uncertain significance for Inborn genetic diseases. Last evaluated: 2022-03-22. Review status: criteria provided, single submitter. Criteria: Ambry Variant Classification Scheme 2023. Collection method: clinical testing. Allele origin: germline.

NM_017547.4(FOXRED1):c.205G>A (p.Val69Met)

Gene: FOXRED1 (FAD dependent oxidoreductase domain containing 1; plus strand). Cytogenetic location: 11q24.2.
Variant type: single nucleotide variant.
Coding change: c.205G>A on transcript NM_017547.4 (MANE Select); coding-DNA position 205, G replaced by A.
Protein change: p.Val69Met; replaces valine 69 with methionine.
Molecular consequence: missense variant. On other transcripts: non-coding transcript variant (1).
Genome position (GRCh38, 1-based): chr11:126,271,556, G>A. VCF-style: chr11-126271556-G-A. GRCh37 (hg19) VCF-style: chr11-126141451-G-A.
Other names: c.205G>A (NM_017547.3); short protein forms V69M.
Identifiers: ClinVar variation 1417961 (VCV001417961.8), dbSNP rs200432010, ClinGen allele CA6354001.